The following is an entry in ClinVar:

ClinVar aggregate classification (germline): Uncertain significance (1 of 4 stars; one submission).

Submission:

CeGaT Center for Human Genetics Tuebingen
Classification: Uncertain significance. Last evaluated: 2025-03-01. Review status: criteria provided, single submitter. Criteria: CeGaT Center For Human Genetics Tuebingen Variant Classification Criteria Version 2. Collection method: clinical testing. Allele origin: germline. Affected: yes. Observed: 1 variant allele.
Comment: ABL1: PM2

NM_005157.6(ABL1):c.3031T>C (p.Ser1011Pro)

Gene: ABL1 (ABL proto-oncogene 1, non-receptor tyrosine kinase; plus strand). Cytogenetic location: 9q34.12.
Variant type: single nucleotide variant.
Coding change: c.3031T>C on transcript NM_005157.6 (MANE Select); coding-DNA position 3031, T replaced by C.
Protein change: p.Ser1011Pro; replaces serine 1011 with proline.
Molecular consequence: missense variant.
Genome position (GRCh38, 1-based): chr9:130,885,321, T>C. VCF-style: chr9-130885321-T-C. GRCh37 (hg19) VCF-style: chr9-133760708-T-C.
Other names: c.3088T>C, p.Ser1030Pro (NM_007313.3); short protein forms S1011P, S1030P.
Identifiers: ClinVar variation 3778311 (VCV003778311.7).